The following is an entry in ClinVar:

ClinVar aggregate classification (germline): Uncertain significance (1 of 4 stars; one submission).

Submission:

Labcorp Genetics (formerly Invitae), Labcorp
Classification: Uncertain significance. Last evaluated: 2021-02-08. Review status: criteria provided, single submitter. Criteria: Invitae Variant Classification Sherloc (09022015). Collection method: clinical testing. Allele origin: germline.
Comment: In summary, the available evidence is currently insufficient to determine the role of this variant in disease. Therefore, it has been classified as a Variant of Uncertain Significance. Nucleotide substitutions within the consensus splice site are a relatively common cause of aberrant splicing (PMID: 17576681, 9536098). Algorithms developed to predict the effect of sequence changes on RNA splicing suggest that this variant may disrupt the consensus splice site, but this prediction has not been confirmed by published transcriptional studies. This variant has not been reported in the literature in individuals with FH-related conditions. This variant is not present in population databases (ExAC no frequency). This sequence change falls in intron 9 of the FH gene. It does not directly change the encoded amino acid sequence of the FH protein. It affects a nucleotide within the consensus splice site of the intron.

Literature cited by the submitters: PubMed 17576681; PubMed 9536098.

NM_000143.4(FH):c.1390+4A>T

Gene: FH (fumarate hydratase; minus strand). Cytogenetic location: 1q43.
Variant type: single nucleotide variant.
Coding change: c.1390+4A>T on transcript NM_000143.4 (MANE Select); 4 bases into the intron after coding-DNA position 1390, A replaced by T.
Molecular consequence: intron variant.
Genome position (GRCh38, 1-based): chr1:241,500,433, T>A on the plus strand (A>T on the coding strand, the complement: FH is on the minus strand). VCF-style: chr1-241500433-T-A. GRCh37 (hg19) VCF-style: chr1-241663733-T-A.
Identifiers: ClinVar variation 1411844 (VCV001411844.6), dbSNP rs2147913003, ClinGen allele CA2573132907.